The following is an entry in ClinVar:

ClinVar aggregate classification (germline): Uncertain significance. Review status: criteria provided, multiple submitters, no conflicts (2 of 4 stars). 5 submissions from 5 submitters: Uncertain significance (4). 1 of the submissions does not count toward it. Last evaluated 2026-01-13.

Conditions:
Cardiovascular phenotype. Identifiers: MedGen CN230736.
Costello syndrome (CSTLO). Also called: HRAS-Related Costello Syndrome; FCS SYNDROME; FACIOCUTANEOSKELETAL SYNDROME. Identifiers: Orphanet 3071, MedGen C0587248, MONDO:0009026, OMIM 218040.
Linear nevus sebaceous syndrome. Also called: Linear nevus sebaceous; Nevus, Sebaceous of Jadassohn; Sebaceous nevus syndrome and hemimegalencephaly; Linear sebaceous nevus sequence; JADASSOHN NEVUS PHAKOMATOSIS; NEVUS SEBACEUS OF JADASSOHN. Identifiers: Orphanet 2612, MedGen C4552097, MONDO:0008097, OMIM 163200, HP:0010817.

Allele frequency attached by ClinVar (database versions not stated): ExAC 0.00001; gnomAD exomes 0.00001 and 0.00002; TOPMed 0.00001.
gnomAD v4.1: 26 of 1,613,428 alleles (0.0016%); highest among the groups gnomAD compares: Middle Eastern, 0.016%; no homozygotes.

Submissions (5):

Labcorp Genetics (formerly Invitae), Labcorp
Classification: Uncertain significance for Costello syndrome. Last evaluated: 2026-01-13. Review status: criteria provided, single submitter. Criteria: Invitae Variant Classification Sherloc (09022015). Collection method: clinical testing. Allele origin: germline.
Comment: This sequence change replaces leucine, which is neutral and non-polar, with histidine, which is basic and polar, at codon 133 of the HRAS protein (p.Leu133His). This variant is present in population databases (rs766801436, gnomAD 0.002%). This variant has not been reported in the literature in individuals affected with HRAS-related conditions. ClinVar contains an entry for this variant (Variation ID: 409951). Invitae Evidence Modeling incorporating data from in vitro experimental studies (internal data) indicates that this missense variant is not expected to disrupt HRAS function with a negative predictive value of 95%. In summary, the available evidence is currently insufficient to determine the role of this variant in disease. Therefore, it has been classified as a Variant of Uncertain Significance.

Ambry Genetics
Classification: Uncertain significance for Cardiovascular phenotype. Last evaluated: 2025-04-02. Review status: criteria provided, single submitter. Criteria: Ambry Variant Classification Scheme 2023. Collection method: clinical testing. Allele origin: germline.
Comment: The p.L133H variant (also known as c.398T>A), located in coding exon 3 of the HRAS gene, results from a T to A substitution at nucleotide position 398. The leucine at codon 133 is replaced by histidine, an amino acid with similar properties. This amino acid position is conserved. In addition, this alteration is predicted to be deleterious by in silico analysis. Since supporting evidence is limited at this time, the clinical significance of this alteration remains unclear.

GeneDx
Classification: Uncertain significance. Last evaluated: 2025-01-21. Review status: criteria provided, single submitter. Criteria: GeneDx Variant Classification Process June 2021. Collection method: clinical testing. Allele origin: germline. Affected: yes.
Comment: In silico analysis supports that this missense variant has a deleterious effect on protein structure/function; Missense variants in this gene are often considered pathogenic (HGMD); Has not been previously published as pathogenic or benign to our knowledge

AiLife Diagnostics
Classification: Uncertain significance. Last evaluated: 2021-12-27. Review status: criteria provided, single submitter. Criteria: ACMG Guidelines, 2015. Collection method: clinical testing. Allele origin: germline. Affected: yes. Observed: 1 variant allele.

Genetic Services Laboratory, University of Chicago
Classification: Uncertain significance. Last evaluated: 2022-08-01. Review status: no assertion criteria provided. Collection method: clinical testing. Allele origin: germline. Affected: no. Not counted in ClinVar's aggregate classification.
Comment: DNA sequence analysis of the HRAS gene demonstrated a sequence change, c.398T>A, in exon 4 that results in an amino acid change, p.Leu133His. This sequence change does not appear to have been previously described in individuals with HRAS-related disorders. This sequence change has been described in the gnomAD database with a frequency of 0.0008% (dbSNP rs766801436). The p.Leu133His change affects a highly conserved amino acid residue located in a domain of the HRAS protein that is not known to be functional. In-silico pathogenicity prediction tools (SIFT, PolyPhen2, Align GVGD, REVEL) provide contradictory results for the p.Leu133His substitution. Due to insufficient evidences and the lack of functional studies, the clinical significance of the p.Leu133His change remains unknown at this time.

NM_005343.4(HRAS):c.398T>A (p.Leu133His)

Genes: HRAS (HRas proto-oncogene, GTPase; minus strand), LRRC56 (leucine rich repeat containing 56; plus strand). Cytogenetic location: 11p15.5.
Variant type: single nucleotide variant.
Coding change: c.398T>A on transcript NM_005343.4 (MANE Select); coding-DNA position 398, T replaced by A.
Protein change: p.Leu133His; replaces leucine 133 with histidine.
Molecular consequence: missense variant.
Genome position (GRCh38, 1-based): chr11:533,505, A>T on the plus strand (T>A on the coding strand, the complement: HRAS is on the minus strand). VCF-style: chr11-533505-A-T. GRCh37 (hg19) VCF-style: chr11-533505-A-T.
Other names: c.398T>A, p.Leu133His (NM_001130442.3, NM_176795.5); c.79T>A, p.Ser27Thr (NM_001318054.2); short protein forms L133H, S27T.
Identifiers: ClinVar variation 409951 (VCV000409951.22), dbSNP rs766801436, ClinGen allele CA5779320.
Genomic context (GRCh38, chr11:533,505, plus strand): 5'-TGCCTCACCTGCCGGGTCTTGGCCGAGGTCTCGATGTAGGGGATGCCGTAGCTTCGGGCG[A>T]GGTCCTGAGCCTGCCGAGATTCCACAGTGCGTGCAGCCAGGTCACACTTGTTCCCCACCA-3'
Protein context (NP_005334.1, residues 123-143): RTVESRQAQD[Leu133His]ARSYGIPYIE